The following is an entry in ClinVar:

ClinVar aggregate classification (germline): Uncertain significance. Review status: criteria provided, multiple submitters, no conflicts (2 of 4 stars). 2 submissions from 2 submitters: Uncertain significance (2). Last evaluated 2025-10-15.

Conditions:
Multiple endocrine neoplasia, type 2 (MEN2). Identifiers: Orphanet 653, MedGen C4048306, MONDO:0019003. Disease mechanism: gain of function.
Hereditary cancer-predisposing syndrome. Also called: Tumor predisposition; Hereditary Cancer Syndrome; Hereditary neoplastic syndrome; Neoplastic Syndromes, Hereditary. Identifiers: Orphanet 140162, MedGen C0027672, MeSH D009386, MONDO:0015356.

Submissions (2):

Ambry Genetics
Classification: Uncertain significance for Hereditary cancer-predisposing syndrome. Last evaluated: 2025-10-15. Review status: criteria provided, single submitter. Criteria: Ambry Variant Classification Scheme 2023. Collection method: clinical testing. Allele origin: germline.
Comment: The p.S159P variant (also known as c.475T>C), located in coding exon 3 of the RET gene, results from a T to C substitution at nucleotide position 475. The serine at codon 159 is replaced by proline, an amino acid with similar properties. This amino acid position is conserved. In addition, the in silico prediction for this alteration is inconclusive. Based on the available evidence, the clinical significance of this variant remains unclear.

Color Diagnostics, LLC DBA Color Health
Classification: Uncertain significance for Multiple endocrine neoplasia, type 2. Last evaluated: 2025-10-12. Review status: criteria provided, single submitter. Criteria: ACMG Guidelines, 2015. Collection method: clinical testing. Allele origin: germline.
Comment: This missense variant replaces serine with proline at codon 159 of the RET protein. Computational prediction suggests that this variant may not impact protein structure and function. To our knowledge, functional studies have not been reported for this variant. This variant has not been reported in individuals affected with RET-related disorders in the literature. This variant has not been identified in the general population by the Genome Aggregation Database (gnomAD). The available evidence is insufficient to determine the role of this variant in disease conclusively. Therefore, this variant is classified as a Variant of Uncertain Significance.

NM_020975.6(RET):c.475T>C (p.Ser159Pro)

Gene: RET (ret proto-oncogene; plus strand). Cytogenetic location: 10q11.21.
Variant type: single nucleotide variant.
Coding change: c.475T>C on transcript NM_020975.6 (MANE Select); coding-DNA position 475, T replaced by C.
Protein change: p.Ser159Pro; replaces serine 159 with proline.
Molecular consequence: missense variant. On other transcripts: intron variant (15).
Genome position (GRCh38, 1-based): chr10:43,102,479, T>C. VCF-style: chr10-43102479-T-C. GRCh37 (hg19) VCF-style: chr10-43597927-T-C.
Other names: c.475T>C, p.Ser159Pro (NM_001406743.1, NM_001406744.1, NM_001406759.1 and 14 more transcripts); c.346T>C, p.Ser116Pro (NM_001406761.1, NM_001406762.1, NM_001406764.1 and 4 more transcripts); c.337+1757T>C (NM_001406770.1, NM_001406766.1, NM_001406767.1 and 8 more transcripts); c.74-6552T>C (NM_001406784.1); c.74-9620T>C (NM_001406794.1, NM_001406792.1, NM_001406793.1); short protein forms S159P, S116P.
Identifiers: ClinVar variation 4545476 (VCV004545476.2).